The following is an entry in ClinVar:

NM_002202.3(ISL1):c.1A>G (p.Met1Val)

Gene: ISL1 (ISL LIM homeobox 1; plus strand). Cytogenetic location: 5q11.1.
Variant type: single nucleotide variant.
Coding change: c.1A>G on transcript NM_002202.3 (MANE Select); coding-DNA position 1, A replaced by G.
Protein change: p.Met1Val; changes the start codon (methionine 1).
Molecular consequence: missense variant, initiator codon variant.
Genome position (GRCh38, 1-based): chr5:51,383,672, A>G. VCF-style: chr5-51383672-A-G. GRCh37 (hg19) VCF-style: chr5-50679506-A-G.
Other names: short protein forms M1V.
Identifiers: ClinVar variation 4999306 (VCV004999306.1).
Genomic context (GRCh38, chr5:51,383,672, plus strand): 5'-GGGCTGTTCACCAACTGTACAACCACCATTTCACTGTGGACATTACTCCCTCTTACAGAT[A>G]TGGGAGACATGGGAGATCCACCAAAAAGTAAGAGGCTATTTTACCTTGTGGGGCTCGGTG-3'
Protein context (NP_002193.2, residues 1-11): [Met1Val]GDMGDPPKKK

ClinVar aggregate classification (germline): Uncertain significance (1 of 4 stars; one submission).

Conditions:
ISL1-related disorder. Also called: ISL1-related condition.

Submission:

PreventionGenetics, part of Exact Sciences
Classification: Uncertain significance for ISL1-related condition. Last evaluated: 2025-05-28. Review status: criteria provided, single submitter. Criteria: ACMG Guidelines, 2015. Collection method: clinical testing. Allele origin: germline.
Comment: The ISL1 c.1A>G variant is predicted to disrupt the translation initiation site (Start Loss). To our knowledge, this variant has not been reported in the literature or in a large population database (gnomAD), indicating this variant is rare. Loss-of-function is not an established mechanism of disease for ISL1. At this time, the clinical significance of this variant is uncertain due to the absence of conclusive functional and genetic evidence.